The following is an entry in ClinVar:

NM_002473.6(MYH9):c.4052C>T (p.Ala1351Val)

Gene: MYH9 (myosin heavy chain 9; minus strand). Cytogenetic location: 22q12.3.
Variant type: single nucleotide variant.
Coding change: c.4052C>T on transcript NM_002473.6 (MANE Select); coding-DNA position 4052, C replaced by T.
Protein change: p.Ala1351Val; replaces alanine 1351 with valine.
Molecular consequence: missense variant.
Genome position (GRCh38, 1-based): chr22:36,293,372, G>A on the plus strand (C>T on the coding strand, the complement: MYH9 is on the minus strand). VCF-style: chr22-36293372-G-A. GRCh37 (hg19) VCF-style: chr22-36689418-G-A.
Other names: short protein forms A1351V.
Identifiers: ClinVar variation 3652030 (VCV003652030.2).

ClinVar aggregate classification (germline): Uncertain significance (1 of 4 stars; one submission).

Submission:

Labcorp Genetics (formerly Invitae), Labcorp
Classification: Uncertain significance. Last evaluated: 2024-05-02. Review status: criteria provided, single submitter. Criteria: Invitae Variant Classification Sherloc (09022015). Collection method: clinical testing. Allele origin: germline.
Comment: This sequence change replaces alanine, which is neutral and non-polar, with valine, which is neutral and non-polar, at codon 1351 of the MYH9 protein (p.Ala1351Val). This variant is not present in population databases (gnomAD no frequency). This variant has not been reported in the literature in individuals affected with MYH9-related conditions. Advanced modeling of protein sequence and biophysical properties (such as structural, functional, and spatial information, amino acid conservation, physicochemical variation, residue mobility, and thermodynamic stability) performed at Invitae indicates that this missense variant is not expected to disrupt MYH9 protein function with a negative predictive value of 95%. In summary, the available evidence is currently insufficient to determine the role of this variant in disease. Therefore, it has been classified as a Variant of Uncertain Significance.